The following is an entry in ClinVar:

NM_001903.5(CTNNA1):c.995G>A (p.Arg332Gln)

Gene: CTNNA1 (catenin alpha 1; plus strand). Cytogenetic location: 5q31.2.
Variant type: single nucleotide variant.
Coding change: c.995G>A on transcript NM_001903.5 (MANE Select); coding-DNA position 995, G replaced by A.
Protein change: p.Arg332Gln; replaces arginine 332 with glutamine.
Molecular consequence: missense variant.
Genome position (GRCh38, 1-based): chr5:138,827,651, G>A. VCF-style: chr5-138827651-G-A. GRCh37 (hg19) VCF-style: chr5-138163340-G-A.
Other names: c.995G>A, p.Arg332Gln (NM_001290307.3, NM_001323982.2, NM_001323983.1 and 3 more transcripts); c.686G>A, p.Arg229Gln (NM_001290309.3); c.626G>A, p.Arg209Gln (NM_001290310.3); short protein forms R229Q, R332Q, R209Q.
Identifiers: ClinVar variation 665999 (VCV000665999.16), dbSNP rs1215333067, ClinGen allele CA361131102.

ClinVar aggregate classification (germline): Uncertain significance. Review status: criteria provided, multiple submitters, no conflicts (2 of 4 stars). 3 submissions from 3 submitters: Uncertain significance (3). Last evaluated 2026-01-31.

Conditions:
Hereditary cancer-predisposing syndrome. Also called: Neoplastic Syndromes, Hereditary; Hereditary Cancer Syndrome; Tumor predisposition; Hereditary neoplastic syndrome. Identifiers: Orphanet 140162, MedGen C0027672, MeSH D009386, MONDO:0015356.

Allele frequency attached by ClinVar (database versions not stated): gnomAD exomes below 0.00001; TOPMed 0.00001; gnomAD 0.00003.
gnomAD v4.1: 25 of 1,614,096 alleles (0.0015%); highest among the groups gnomAD compares: East Asian, 0.0022%; no homozygotes.

Submissions (3):

Labcorp Genetics (formerly Invitae), Labcorp
Classification: Uncertain significance. Last evaluated: 2026-01-31. Review status: criteria provided, single submitter. Criteria: Invitae Variant Classification Sherloc (09022015). Collection method: clinical testing. Allele origin: germline.
Comment: This sequence change replaces arginine, which is basic and polar, with glutamine, which is neutral and polar, at codon 332 of the CTNNA1 protein (p.Arg332Gln). This variant is present in population databases (no rsID available, gnomAD 0.007%). This variant has not been reported in the literature in individuals affected with CTNNA1-related conditions. ClinVar contains an entry for this variant (Variation ID: 665999). Invitae Evidence Modeling of protein sequence and biophysical properties (such as structural, functional, and spatial information, amino acid conservation, physicochemical variation, residue mobility, and thermodynamic stability) indicates that this missense variant is not expected to disrupt CTNNA1 protein function with a negative predictive value of 80%. In summary, the available evidence is currently insufficient to determine the role of this variant in disease. Therefore, it has been classified as a Variant of Uncertain Significance.

Blueprint Genetics
Classification: Uncertain significance. Last evaluated: 2024-10-29. Review status: criteria provided, single submitter. Criteria: ACMG Guidelines, 2015. Collection method: clinical testing. Allele origin: germline.

Ambry Genetics
Classification: Uncertain significance for Hereditary cancer-predisposing syndrome. Last evaluated: 2024-06-28. Review status: criteria provided, single submitter. Criteria: Ambry Variant Classification Scheme 2023. Collection method: clinical testing. Allele origin: germline.
Comment: The p.R332Q variant (also known as c.995G>A), located in coding exon 6 of the CTNNA1 gene, results from a G to A substitution at nucleotide position 995. The arginine at codon 332 is replaced by glutamine, an amino acid with highly similar properties. This amino acid position is highly conserved in available vertebrate species. In addition, the in silico prediction for this alteration is inconclusive. The evidence for this gene-disease relationship is limited; therefore, the clinical significance of this alteration is unclear.